The following is an entry in ClinVar:

ClinVar aggregate classification (germline): Uncertain significance (1 of 4 stars; one submission).

Conditions:
Neurofibromatosis, type 1 (NF1). Also called: VON RECKLINGHAUSEN DISEASE; Peripheral type neurofibromatosis; NEUROFIBROMATOSIS, TYPE I, SOMATIC; Neurofibromatosis, type I. Identifiers: Orphanet 636, MedGen C0027831, MONDO:0018975, OMIM 162200. Disease mechanism: loss of function.

Submission:

Labcorp Genetics (formerly Invitae), Labcorp
Classification: Uncertain significance for Neurofibromatosis, type 1. Last evaluated: 2024-08-05. Review status: criteria provided, single submitter. Criteria: Invitae Variant Classification Sherloc (09022015). Collection method: clinical testing. Allele origin: germline.
Comment: This sequence change replaces aspartic acid, which is acidic and polar, with asparagine, which is neutral and polar, at codon 170 of the NF1 protein (p.Asp170Asn). This variant is not present in population databases (gnomAD no frequency). This variant has not been reported in the literature in individuals affected with NF1-related conditions. Advanced modeling of protein sequence and biophysical properties (such as structural, functional, and spatial information, amino acid conservation, physicochemical variation, residue mobility, and thermodynamic stability) performed at Invitae indicates that this missense variant is expected to disrupt NF1 protein function with a positive predictive value of 95%. In summary, the available evidence is currently insufficient to determine the role of this variant in disease. Therefore, it has been classified as a Variant of Uncertain Significance.

NM_001042492.3(NF1):c.508G>A (p.Asp170Asn)

Gene: NF1 (neurofibromin 1; plus strand). Cytogenetic location: 17q11.2.
Variant type: single nucleotide variant.
Coding change: c.508G>A on transcript NM_001042492.3 (MANE Select); coding-DNA position 508, G replaced by A.
Protein change: p.Asp170Asn; replaces aspartic acid 170 with asparagine.
Molecular consequence: missense variant.
Genome position (GRCh38, 1-based): chr17:31,169,919, G>A. VCF-style: chr17-31169919-G-A. GRCh37 (hg19) VCF-style: chr17-29496937-G-A.
Other names: c.508G>A, p.Asp170Asn (NM_001128147.3, NM_000267.4); short protein forms D170N.
Identifiers: ClinVar variation 3634481 (VCV003634481.2).